The following is an entry in ClinVar:

NM_006892.4(DNMT3B):c.691G>T (p.Gly231Ter)

Gene: DNMT3B (DNA methyltransferase 3 beta; plus strand). Cytogenetic location: 20q11.21.
Variant type: single nucleotide variant.
Coding change: c.691G>T on transcript NM_006892.4 (MANE Select); coding-DNA position 691, G replaced by T.
Protein change: p.Gly231Ter; replaces glycine 231 with a stop codon.
Molecular consequence: nonsense.
Genome position (GRCh38, 1-based): chr20:32,788,890, G>T. VCF-style: chr20-32788890-G-T. GRCh37 (hg19) VCF-style: chr20-31376696-G-T.
Other names: c.565G>T, p.Gly189Ter (NM_001207055.2); c.463G>T, p.Gly155Ter (NM_001207056.2); c.691G>T, p.Gly231Ter (NM_175848.2, NM_175849.2); c.727G>T, p.Gly243Ter (NM_175850.3); short protein forms G155*, G189*, G231*, G243*.
Identifiers: ClinVar variation 1069118 (VCV001069118.7), dbSNP rs2145960216, ClinGen allele CA408587960.
Genomic context (GRCh38, chr20:32,788,890, plus strand): 5'-TTCTTCATGTGGGTTTTCTTCCAGGATGGGAAGGAGTTTGGAATAGGGGACCTCGTGTGG[G>T]GAAAGATCAAGGGCTTCTCCTGGTGGCCCGCCATGGTGGTGTCTTGGAAGGCCACCTCCA-3'

ClinVar aggregate classification (germline): Pathogenic (1 of 4 stars; one submission).

Conditions:
Centromeric instability of chromosomes 1,9 and 16 and immunodeficiency (ICF1). Also called: IMMUNE DEFICIENCY, VARIABLE, WITH CENTROMERIC INSTABILITY OF CHROMOSOMES 1, 9, AND 16; IMMUNODEFICIENCY SYNDROME, VARIABLE; CENTROMERIC INSTABILITY, IMMUNODEFICIENCY SYNDROME; Immunodeficiency-centromeric instability-facial anomalies. Identifiers: Orphanet 2268, MedGen C0398788, MONDO:0000133.

Submission:

Labcorp Genetics (formerly Invitae), Labcorp
Classification: Pathogenic for Centromeric instability of chromosomes 1,9 and 16 and immunodeficiency. Last evaluated: 2024-04-03. Review status: criteria provided, single submitter. Criteria: Invitae Variant Classification Sherloc (09022015). Collection method: clinical testing. Allele origin: germline.
Comment: This sequence change creates a premature translational stop signal (p.Gly231*) in the DNMT3B gene. It is expected to result in an absent or disrupted protein product. Loss-of-function variants in DNMT3B are known to be pathogenic (PMID: 11102980). This variant is not present in population databases (gnomAD no frequency). This variant has not been reported in the literature in individuals affected with DNMT3B-related conditions. ClinVar contains an entry for this variant (Variation ID: 1069118). For these reasons, this variant has been classified as Pathogenic.

Literature cited by the submitters: PubMed 11102980.